The following is an entry in ClinVar:

ClinVar aggregate classification (germline): Conflicting classifications of pathogenicity. Review status: criteria provided, conflicting classifications (1 of 4 stars). 2 submissions from 2 submitters: Uncertain significance (1); Likely benign (1). Last evaluated 2019-06-24.

Conditions:
Cardiovascular phenotype. Identifiers: MedGen CN230736.

gnomAD v4.1: 1 of 1,614,100 alleles (0.000062%); no homozygotes.

Submissions (2):

Ambry Genetics
Classification: Uncertain significance for Cardiovascular phenotype. Last evaluated: 2019-06-24. Review status: criteria provided, single submitter. Criteria: Ambry Variant Classification Scheme 2023. Collection method: clinical testing. Allele origin: germline.
Comment: The p.R1019K variant (also known as c.3056G>A), located in coding exon 15 of the DSG2 gene, results from a G to A substitution at nucleotide position 3056. The arginine at codon 1019 is replaced by lysine, an amino acid with highly similar properties. This amino acid position is well conserved in available vertebrate species; however, lysine is the reference amino acid in other vertebrate species. In addition, this alteration is predicted to be tolerated by in silico analysis. Since supporting evidence is limited at this time, the clinical significance of this alteration remains unclear.

GeneDx
Classification: Likely benign. Last evaluated: 2015-09-21. Review status: criteria provided, single submitter. Criteria: GeneDx Variant Classification (06012015). Collection method: clinical testing. Allele origin: germline. Affected: yes.
Comment: This variant is considered likely benign or benign based on one or more of the following criteria: it is a conservative change, it occurs at a poorly conserved position in the protein, it is predicted to be benign by multiple in silico algorithms, and/or has population frequency not consistent with disease.

NM_001943.5(DSG2):c.3056G>A (p.Arg1019Lys)

Genes: DSG2 (desmoglein 2; plus strand), DSG2-AS1 (DSG2 antisense RNA 1; minus strand). Cytogenetic location: 18q12.1.
Variant type: single nucleotide variant.
Coding change: c.3056G>A on transcript NM_001943.5 (MANE Select); coding-DNA position 3056, G replaced by A.
Protein change: p.Arg1019Lys; replaces arginine 1019 with lysine.
Molecular consequence: missense variant.
Genome position (GRCh38, 1-based): chr18:31,546,442, G>A. VCF-style: chr18-31546442-G-A. GRCh37 (hg19) VCF-style: chr18-29126405-G-A.
Other names: c.3056G>A (LRG_397t1); short protein forms R1019K.
Identifiers: ClinVar variation 380603 (VCV000380603.3), dbSNP rs1057520867, ClinGen allele CA16608736.